The following is an entry in ClinVar:

NM_006767.4(LZTR1):c.1905G>A (p.Pro635=)

Gene: LZTR1 (leucine zipper like post translational regulator 1; plus strand). Cytogenetic location: 22q11.21.
Variant type: single nucleotide variant.
Coding change: c.1905G>A on transcript NM_006767.4 (MANE Select); coding-DNA position 1905, G replaced by A.
Protein change: p.Pro635=; no amino-acid change (proline 635 retained).
Molecular consequence: synonymous variant.
Genome position (GRCh38, 1-based): chr22:20,994,989, G>A. VCF-style: chr22-20994989-G-A. GRCh37 (hg19) VCF-style: chr22-21349278-G-A.
Identifiers: ClinVar variation 1782373 (VCV001782373.9), dbSNP rs371155706, ClinGen allele CA322270188.
Genomic context (GRCh38, chr22:20,994,989, plus strand): 5'-GGAGTTCGAGCGCCTCTCCTCTCCACTGATAGTGGAGATTGTGCGGCGGAAGCAGCAGCC[G>A]CCCCCTCGCACTCCCTTGGACCAGCCAGTGGACATTGGTAGGGAGCCCCGTTCCCCTTCC-3'
Protein context (NP_006758.2, residues 625-645): IVEIVRRKQQ[Pro635=]PPRTPLDQPV

ClinVar aggregate classification (germline): Likely benign. Review status: criteria provided, multiple submitters, no conflicts (2 of 4 stars). 4 submissions from 4 submitters: Likely benign (4). Last evaluated 2026-07-01.

Conditions:
Hereditary cancer-predisposing syndrome. Also called: Hereditary neoplastic syndrome; Neoplastic Syndromes, Hereditary; Tumor predisposition; Hereditary Cancer Syndrome. Identifiers: Orphanet 140162, MedGen C0027672, MeSH D009386, MONDO:0015356.
Cardiovascular phenotype. Identifiers: MedGen CN230736.

Allele frequency attached by ClinVar (database versions not stated): gnomAD 0.00001; TOPMed 0.00001; gnomAD exomes 0.00003; ESP Exome Variant Server 0.00008.
gnomAD v4.1: 50 of 1,612,714 alleles (0.0031%); highest among the groups gnomAD compares: Non-Finnish European, 0.0038%; no homozygotes.

Submissions (4):

CeGaT Center for Human Genetics Tuebingen
Classification: Likely benign. Last evaluated: 2026-07-01. Review status: criteria provided, single submitter. Criteria: CeGaT Center For Human Genetics Tuebingen Variant Classification Criteria Version 2. Collection method: clinical testing. Allele origin: germline. Affected: yes. Observed: 1 variant allele.
Comment: LZTR1: BP4, BP7

Labcorp Genetics (formerly Invitae), Labcorp
Classification: Likely benign. Last evaluated: 2025-12-24. Review status: criteria provided, single submitter. Criteria: Invitae Variant Classification Sherloc (09022015). Collection method: clinical testing. Allele origin: germline.

Blueprint Genetics
Classification: Likely benign. Last evaluated: 2024-10-04. Review status: criteria provided, single submitter. Criteria: ACMG Guidelines, 2015. Collection method: clinical testing. Allele origin: germline.

Ambry Genetics
Classification: Likely benign for Cardiovascular phenotype; Hereditary cancer-predisposing syndrome. Last evaluated: 2021-06-21. Review status: criteria provided, single submitter. Criteria: Ambry Variant Classification Scheme 2023. Collection method: clinical testing. Allele origin: germline.